The following is an entry in ClinVar:

ClinVar aggregate classification (germline): Uncertain significance (1 of 4 stars; one submission).

Submission:

GeneDx
Classification: Uncertain significance. Last evaluated: 2023-03-21. Review status: criteria provided, single submitter. Criteria: GeneDx Variant Classification Process June 2021. Collection method: clinical testing. Allele origin: germline. Affected: yes.
Comment: Not observed at significant frequency in large population cohorts (gnomAD); In silico analysis supports that this missense variant has a deleterious effect on protein structure/function; Has not been previously published as pathogenic or benign to our knowledge

NM_000260.4(MYO7A):c.6067C>T (p.Leu2023Phe)

Gene: MYO7A (myosin VIIA; plus strand). Cytogenetic location: 11q13.5.
Variant type: single nucleotide variant.
Coding change: c.6067C>T on transcript NM_000260.4 (MANE Select); coding-DNA position 6067, C replaced by T.
Protein change: p.Leu2023Phe; replaces leucine 2023 with phenylalanine.
Molecular consequence: missense variant.
Genome position (GRCh38, 1-based): chr11:77,211,167, C>T. VCF-style: chr11-77211167-C-T. GRCh37 (hg19) VCF-style: chr11-76922212-C-T.
Other names: c.5953C>T, p.Leu1985Phe (NM_001127180.2); c.5920C>T, p.Leu1974Phe (NM_001369365.1); short protein forms L1974F, L1985F, L2023F.
Identifiers: ClinVar variation 2580745 (VCV002580745.1), dbSNP rs2497798211, ClinGen allele CA381935515.
Genomic context (GRCh38, chr11:77,211,167, plus strand): 5'-TCTGCCAGGTCCCTGCACGCCTGTGACCTGCTCTGTCTCTGACAGGAGTTGCCCAAGTAT[C>T]TCCGAGGCTACCACAAGTGCACGCGGGAGGAGGTGCTGCAGCTGGGGGCGCTGATCTACA-3'
Protein context (NP_000251.3, residues 2013-2033): FHYYQELPKY[Leu2023Phe]RGYHKCTREE